The following is an entry in ClinVar:

NM_004655.4(AXIN2):c.932C>A (p.Ser311Tyr)

Gene: AXIN2 (axin 2; minus strand). Cytogenetic location: 17q24.1.
Variant type: single nucleotide variant.
Coding change: c.932C>A on transcript NM_004655.4 (MANE Select); coding-DNA position 932, C replaced by A.
Protein change: p.Ser311Tyr; replaces serine 311 with tyrosine.
Molecular consequence: missense variant.
Genome position (GRCh38, 1-based): chr17:65,549,544, G>T on the plus strand (C>A on the coding strand, the complement: AXIN2 is on the minus strand). VCF-style: chr17-65549544-G-T. GRCh37 (hg19) VCF-style: chr17-63545662-G-T.
Other names: c.932C>A, p.Ser311Tyr (NM_001363813.1); short protein forms S311Y.
Identifiers: ClinVar variation 4831433 (VCV004831433.1).

ClinVar aggregate classification (germline): Uncertain significance (1 of 4 stars; one submission).

Conditions:
Hereditary cancer-predisposing syndrome. Also called: Neoplastic Syndromes, Hereditary; Tumor predisposition; Hereditary Cancer Syndrome; Hereditary neoplastic syndrome. Identifiers: Orphanet 140162, MedGen C0027672, MeSH D009386, MONDO:0015356.

gnomAD v4.1: 1 of 1,612,290 alleles (0.000062%); highest among the groups gnomAD compares: Non-Finnish European, 0.000085%; no homozygotes.

Submission:

Ambry Genetics
Classification: Uncertain significance for Hereditary cancer-predisposing syndrome. Last evaluated: 2026-02-13. Review status: criteria provided, single submitter. Criteria: Ambry Variant Classification Scheme 2023. Collection method: clinical testing. Allele origin: germline.
Comment: The p.S311Y variant (also known as c.932C>A), located in coding exon 2 of the AXIN2 gene, results from a C to A substitution at nucleotide position 932. The serine at codon 311 is replaced by tyrosine, an amino acid with dissimilar properties. This amino acid position is highly conserved in available vertebrate species. In addition, this alteration is predicted to be deleterious by in silico analysis. Based on the available evidence, the clinical significance of this variant remains unclear.